The following is an entry in ClinVar:

NC_000005.10:g.(?_88722584)_(88823808_?)del

Gene: MEF2C (myocyte enhancer factor 2C; minus strand). Cytogenetic location: 5q14.3.
Variant type: Deletion.
Identifiers: ClinVar variation 832792 (VCV000832792.2).

ClinVar aggregate classification (germline): Pathogenic (1 of 4 stars; one submission).

Conditions:
Neurodevelopmental disorder with hypotonia, stereotypic hand movements, and impaired language. Also called: Intellectual disability, autosomal dominant 20. Identifiers: Orphanet 228384, Orphanet 664410, MedGen C3150700, MONDO:0013266, OMIM 613443.

Submission:

Labcorp Genetics (formerly Invitae), Labcorp
Classification: Pathogenic for Neurodevelopmental disorder with hypotonia, stereotypic hand movements, and impaired language. Last evaluated: 2022-08-31. Review status: criteria provided, single submitter. Criteria: Invitae Variant Classification Sherloc (09022015). Collection method: clinical testing. Allele origin: germline.
Comment: A gross deletion of the genomic region encompassing the full coding sequence of the MEF2C gene has been identified. Loss-of-function variants in MEF2C are known to be pathogenic (PMID: 20513142). The boundaries of this event are unknown as they extend beyond the assayed region for this gene and therefore may encompass additional genes. A similar copy number variant has been observed in individual(s) with MEF2C-related condition (PMID: 27748065). In at least one individual the variant was observed to be de novo. For these reasons, this variant has been classified as Pathogenic.

Literature cited by the submitters: PubMed 20513142; PubMed 27748065.